The following is an entry in ClinVar:

NM_004370.6(COL12A1):c.3994del (p.Ala1332fs)

Gene: COL12A1 (collagen type XII alpha 1 chain; minus strand). Cytogenetic location: 6q13.
Variant type: Deletion.
Coding change: c.3994del on transcript NM_004370.6 (MANE Select); coding-DNA position 3994, one base deleted (G; older notation c.3994delG).
Protein change: p.Ala1332fs; shifts the reading frame from alanine 1332.
Molecular consequence: frameshift variant.
Genome position (GRCh38, 1-based): chr6:75,151,873, C deleted on the plus strand (G on the coding strand, the reverse complement: COL12A1 is on the minus strand). VCF-style (leftmost placement, unchanged base first): chr6-75151872-GC-G. GRCh37 (hg19) VCF-style: chr6-75861588-GC-G.
Other names: c.502del, p.Ala168fs (NM_080645.3); short protein forms A1332fs, A168fs.
Identifiers: ClinVar variation 475862 (VCV000475862.2), dbSNP rs1554182935, ClinGen allele CA658657603.

ClinVar aggregate classification (germline): Pathogenic (1 of 4 stars; one submission).

Conditions:
Ullrich congenital muscular dystrophy 2 (UCMD2). Identifiers: Orphanet 75840, MedGen C4225314, MONDO:0014654, OMIM 616470.
Bethlem myopathy 2 (BTHLM2). Identifiers: Orphanet 536516, Orphanet 610, MedGen C4225313, MONDO:0034022, OMIM 616471.

Submission:

Labcorp Genetics (formerly Invitae), Labcorp
Classification: Pathogenic for Bethlem myopathy 2; Ullrich congenital muscular dystrophy 2. Last evaluated: 2020-06-29. Review status: criteria provided, single submitter. Criteria: Invitae Variant Classification Sherloc (09022015). Collection method: clinical testing. Allele origin: germline.
Comment: This variant is not present in population databases (ExAC no frequency). For these reasons, this variant has been classified as Pathogenic. Loss-of-function variants in COL12A1 are known to be pathogenic (PMID: 24334604, 24334769, 27159402, 27348394, 224334604). This variant has not been reported in the literature in individuals with COL12A1-related disease. This sequence change creates a premature translational stop signal (p.Ala1332Leufs*12) in the COL12A1 gene. It is expected to result in an absent or disrupted protein product.

Literature cited by the submitters: PubMed 24334604; PubMed 24334769; PubMed 27159402; PubMed 27348394; PubMed 224334604.